The following is an entry in ClinVar:

NM_005378.6(MYCN):c.302G>A (p.Gly101Glu)

Genes: MYCN (MYCN proto-oncogene, bHLH transcription factor; plus strand), MYCNOS (MYCN opposite strand; minus strand). Cytogenetic location: 2p24.3.
Variant type: single nucleotide variant.
Coding change: c.302G>A on transcript NM_005378.6 (MANE Select); coding-DNA position 302, G replaced by A.
Protein change: p.Gly101Glu; replaces glycine 101 with glutamic acid.
Molecular consequence: missense variant. On other transcripts: non-coding transcript variant (1), 3 prime UTR variant (1), intron variant (1).
Genome position (GRCh38, 1-based): chr2:15,942,366, G>A. VCF-style: chr2-15942366-G-A. GRCh37 (hg19) VCF-style: chr2-16082488-G-A.
Other names: c.302G>A, p.Gly101Glu (NM_001293228.2); c.*237G>A (NM_001293233.2); c.157+1623G>A (NM_001293231.2); short protein forms G101E.
Identifiers: ClinVar variation 2407622 (VCV002407622.5), dbSNP rs752749374, ClinGen allele CA1538157.

ClinVar aggregate classification (germline): Uncertain significance. Review status: criteria provided, multiple submitters, no conflicts (2 of 4 stars). 2 submissions from 2 submitters: Uncertain significance (2). Last evaluated 2024-01-13.

Conditions:
Inborn genetic diseases. Identifiers: MedGen C0950123, MeSH D030342.

Allele frequency attached by ClinVar (database versions not stated): ExAC 0.00001; gnomAD 0.00001; TOPMed 0.00001.
gnomAD v4.1: 8 of 1,606,908 alleles (0.0005%); highest among the groups gnomAD compares: Middle Eastern, 0.016%; no homozygotes.

Submissions (2):

Labcorp Genetics (formerly Invitae), Labcorp
Classification: Uncertain significance. Last evaluated: 2024-01-13. Review status: criteria provided, single submitter. Criteria: Invitae Variant Classification Sherloc (09022015). Collection method: clinical testing. Allele origin: germline.
Comment: This sequence change replaces glycine, which is neutral and non-polar, with glutamic acid, which is acidic and polar, at codon 101 of the MYCN protein (p.Gly101Glu). This variant is present in population databases (rs752749374, gnomAD 0.006%). This variant has not been reported in the literature in individuals affected with MYCN-related conditions. ClinVar contains an entry for this variant (Variation ID: 2407622). Advanced modeling of protein sequence and biophysical properties (such as structural, functional, and spatial information, amino acid conservation, physicochemical variation, residue mobility, and thermodynamic stability) performed at Invitae indicates that this missense variant is not expected to disrupt MYCN protein function with a negative predictive value of 80%. In summary, the available evidence is currently insufficient to determine the role of this variant in disease. Therefore, it has been classified as a Variant of Uncertain Significance.

Ambry Genetics
Classification: Uncertain significance for Inborn genetic diseases. Last evaluated: 2022-01-03. Review status: criteria provided, single submitter. Criteria: Ambry Variant Classification Scheme 2023. Collection method: clinical testing. Allele origin: germline.